The following is an entry in ClinVar:

NM_005050.4(ABCD4):c.1049C>T (p.Thr350Met)

Gene: ABCD4 (ATP binding cassette subfamily D member 4; minus strand). Cytogenetic location: 14q24.3.
Variant type: single nucleotide variant.
Coding change: c.1049C>T on transcript NM_005050.4 (MANE Select); coding-DNA position 1049, C replaced by T.
Protein change: p.Thr350Met; replaces threonine 350 with methionine.
Molecular consequence: missense variant. On other transcripts: non-coding transcript variant (10).
Genome position (GRCh38, 1-based): chr14:74,292,356, G>A on the plus strand (C>T on the coding strand, the complement: ABCD4 is on the minus strand). VCF-style: chr14-74292356-G-A. GRCh37 (hg19) VCF-style: chr14-74759059-G-A.
Other names: c.923C>T, p.Thr308Met (NM_001353591.2, NM_001353592.2); c.788C>T, p.Thr263Met (NM_001353593.2); c.737C>T, p.Thr246Met (NM_001353594.2); c.635C>T, p.Thr212Met (NM_001353595.2, NM_001353596.2); c.584C>T, p.Thr195Met (NM_001353597.2); c.572C>T, p.Thr191Met (NM_001353598.2, NM_001353599.2, NM_001353600.2 and 2 more transcripts); c.260C>T, p.Thr87Met (NM_001353602.2, NM_001353603.2, NM_001353604.2 and 6 more transcripts); c.1049C>T, p.Thr350Met (NM_020325.3); short protein forms T191M, T195M, T308M, T263M, T350M, T212M, T246M, T87M.
Identifiers: ClinVar variation 852074 (VCV000852074.7), dbSNP rs35073715, ClinGen allele CA7266949.

ClinVar aggregate classification (germline): Uncertain significance (1 of 4 stars; one submission).

Conditions:
Methylmalonic acidemia with homocystinuria, type cblJ (MAHCJ). Also called: METHYLMALONIC ACIDURIA AND HOMOCYSTINURIA, cblJ TYPE. Identifiers: Orphanet 369955, MedGen C3553915, MONDO:0013925, OMIM 614857.

Allele frequency attached by ClinVar (database versions not stated): TOPMed 0.00008.
gnomAD v4.1: 74 of 1,613,976 alleles (0.0046%); highest among the groups gnomAD compares: Middle Eastern, 0.082%; 1 homozygote.

Submission:

Labcorp Genetics (formerly Invitae), Labcorp
Classification: Uncertain significance for Methylmalonic acidemia with homocystinuria, type cblJ. Last evaluated: 2022-06-17. Review status: criteria provided, single submitter. Criteria: Invitae Variant Classification Sherloc (09022015). Collection method: clinical testing. Allele origin: germline.
Comment: This sequence change replaces threonine, which is neutral and polar, with methionine, which is neutral and non-polar, at codon 350 of the ABCD4 protein (p.Thr350Met). This variant is present in population databases (rs35073715, gnomAD 0.03%). In summary, the available evidence is currently insufficient to determine the role of this variant in disease. Therefore, it has been classified as a Variant of Uncertain Significance. Advanced modeling of protein sequence and biophysical properties (such as structural, functional, and spatial information, amino acid conservation, physicochemical variation, residue mobility, and thermodynamic stability) performed at Invitae indicates that this missense variant is not expected to disrupt ABCD4 protein function. ClinVar contains an entry for this variant (Variation ID: 852074). This variant has not been reported in the literature in individuals affected with ABCD4-related conditions.